The following is an entry in ClinVar:

NM_031448.6(C19orf12):c.127G>A (p.Gly43Ser)

Gene: C19orf12 (chromosome 19 open reading frame 12; minus strand). Cytogenetic location: 19q12.
Variant type: single nucleotide variant.
Coding change: c.127G>A on transcript NM_031448.6 (MANE Select); coding-DNA position 127, G replaced by A.
Protein change: p.Gly43Ser; replaces glycine 43 with serine.
Molecular consequence: missense variant. On other transcripts: intron variant (2), 5 prime UTR variant (1).
Genome position (GRCh38, 1-based): chr19:29,708,287, C>T on the plus strand (G>A on the coding strand, the complement: C19orf12 is on the minus strand). VCF-style: chr19-29708287-C-T. GRCh37 (hg19) VCF-style: chr19-30199194-C-T.
Other names: c.-32-5310G>A (NM_001282930.3, NM_001282929.1); c.127G>A, p.Gly43Ser (NM_001256047.2, NM_001031726.4, NM_001256046.3); c.-187G>A (NM_001282931.3); short protein forms G43S.
Identifiers: ClinVar variation 1682836 (VCV001682836.8), dbSNP rs1972485341, ClinGen allele CA405145437.
Genomic context (GRCh38, chr19:29,708,287, plus strand): 5'-CTATCTCTGTGAGACACCTGCACTTACCAACGGCGAGTCCCGGTGGGCCGCCCACCAAAC[C>T]CCCGACGAAGGCCATGGCCCCTGTGACCAGGGCACCCTTCCCAGAGTGCTTGACAGCCGC-3'
Protein context (NP_113636.2, residues 33-53): LVTGAMAFVG[Gly43Ser]LVGGPPGLAV

ClinVar aggregate classification (germline): Uncertain significance (1 of 4 stars; one submission).

Conditions:
Hereditary spastic paraplegia 43. Also called: Spastic paraplegia 43, autosomal recessive. Identifiers: Orphanet 320370, MedGen C2680446, MONDO:0014024, OMIM 615043.

Allele frequency attached by ClinVar (database versions not stated): gnomAD exomes below 0.00001; gnomAD 0.00001.

Submission:

Labcorp Genetics (formerly Invitae), Labcorp
Classification: Uncertain significance for Hereditary spastic paraplegia 43. Last evaluated: 2022-08-16. Review status: criteria provided, single submitter. Criteria: Invitae Variant Classification Sherloc (09022015). Collection method: clinical testing. Allele origin: germline.
Comment: This variant has not been reported in the literature in individuals affected with C19orf12-related conditions. ClinVar contains an entry for this variant (Variation ID: 1682836). Algorithms developed to predict the effect of missense changes on protein structure and function are either unavailable or do not agree on the potential impact of this missense change (SIFT: "Deleterious"; PolyPhen-2: "Probably Damaging"; Align-GVGD: "Class C0"). In summary, the available evidence is currently insufficient to determine the role of this variant in disease. Therefore, it has been classified as a Variant of Uncertain Significance. This sequence change replaces glycine, which is neutral and non-polar, with serine, which is neutral and polar, at codon 54 of the C19orf12 protein (p.Gly54Ser). This variant is not present in population databases (gnomAD no frequency).